The following is an entry in ClinVar:

ClinVar aggregate classification (germline): Likely benign. Review status: criteria provided, multiple submitters, no conflicts (2 of 4 stars). 2 submissions from 2 submitters: Likely benign (2). Last evaluated 2024-11-21.

Allele frequency attached by ClinVar (database versions not stated): TOPMed 0.00039; gnomAD 0.00068; gnomAD exomes 0.00140; 1000 Genomes Project 30x 0.00297; 1000 Genomes Project 0.00359; ExAC 0.01290.
gnomAD v4.1: 2,049 of 1,535,704 alleles (0.13%); highest among the groups gnomAD compares: South Asian, 1.8%; 35 homozygotes.

Submissions (2):

Blueprint Genetics
Classification: Likely benign. Last evaluated: 2024-11-21. Review status: criteria provided, single submitter. Criteria: ACMG Guidelines, 2015. Collection method: clinical testing. Allele origin: germline.

GeneDx
Classification: Likely benign. Last evaluated: 2021-09-07. Review status: criteria provided, single submitter. Criteria: GeneDx Variant Classification Process June 2021. Collection method: clinical testing. Allele origin: germline. Affected: yes.
Comment: See Variant Classification Assertion Criteria.

NM_021814.5(ELOVL5):c.246+3863C>G

Gene: ELOVL5 (ELOVL fatty acid elongase 5; minus strand). Cytogenetic location: 6p12.1.
Variant type: single nucleotide variant.
Coding change: c.246+3863C>G on transcript NM_021814.5 (MANE Select); 3863 bases into the intron after coding-DNA position 246, C replaced by G.
Molecular consequence: intron variant. On other transcripts: synonymous variant (1).
Genome position (GRCh38, 1-based): chr6:53,287,913, G>C on the plus strand (C>G on the coding strand, the complement: ELOVL5 is on the minus strand). VCF-style: chr6-53287913-G-C. GRCh37 (hg19) VCF-style: chr6-53152711-G-C.
Other names: c.276C>G, p.Ala92= (NM_001242828.2); c.246+3863C>G (NM_001242830.2, NM_001301856.2).
Identifiers: ClinVar variation 1707196 (VCV001707196.3), dbSNP rs139609375, ClinGen allele CA3859795.